The following is an entry in ClinVar:

ClinVar aggregate classification (germline): Uncertain significance (1 of 4 stars; one submission).

gnomAD v4.1: 1 of 1,614,186 alleles (0.000062%); highest among the groups gnomAD compares: Non-Finnish European, 0.000085%; no homozygotes.

Submission:

Labcorp Genetics (formerly Invitae), Labcorp
Classification: Uncertain significance. Last evaluated: 2025-10-19. Review status: criteria provided, single submitter. Criteria: Invitae Variant Classification Sherloc (09022015). Collection method: clinical testing. Allele origin: germline.
Comment: This sequence change replaces glutamine, which is neutral and polar, with arginine, which is basic and polar, at codon 253 of the IMPG2 protein (p.Gln253Arg). This variant is not present in population databases (gnomAD no frequency). This variant has not been reported in the literature in individuals affected with IMPG2-related conditions. Invitae Evidence Modeling of protein sequence and biophysical properties (such as structural, functional, and spatial information, amino acid conservation, physicochemical variation, residue mobility, and thermodynamic stability) indicates that this missense variant is not expected to disrupt IMPG2 protein function with a negative predictive value of 80%. In summary, the available evidence is currently insufficient to determine the role of this variant in disease. Therefore, it has been classified as a Variant of Uncertain Significance.

NM_016247.4(IMPG2):c.758A>G (p.Gln253Arg)

Gene: IMPG2 (interphotoreceptor matrix proteoglycan 2; minus strand). Cytogenetic location: 3q12.3.
Variant type: single nucleotide variant.
Coding change: c.758A>G on transcript NM_016247.4 (MANE Select); coding-DNA position 758, A replaced by G.
Protein change: p.Gln253Arg; replaces glutamine 253 with arginine.
Molecular consequence: missense variant.
Genome position (GRCh38, 1-based): chr3:101,273,651, T>C on the plus strand (A>G on the coding strand, the complement: IMPG2 is on the minus strand). VCF-style: chr3-101273651-T-C. GRCh37 (hg19) VCF-style: chr3-100992495-T-C.
Other names: short protein forms Q253R.
Identifiers: ClinVar variation 4730595 (VCV004730595.1).